The following is an entry in ClinVar:

ClinVar aggregate classification (germline): Uncertain significance. Review status: criteria provided, multiple submitters, no conflicts (2 of 4 stars). 2 submissions from 2 submitters: Uncertain significance (2). Last evaluated 2025-11-13.

Conditions:
Inborn genetic diseases. Identifiers: MedGen C0950123, MeSH D030342.
Hereditary spastic paraplegia 28. Also called: Spastic paraplegia 28, autosomal recessive. Identifiers: Orphanet 101008, MedGen C1836295, MONDO:0012256, OMIM 609340.

Allele frequency attached by ClinVar (database versions not stated): gnomAD exomes below 0.00001; TOPMed below 0.00001; gnomAD 0.00001.
gnomAD v4.1: 13 of 1,613,868 alleles (0.00081%); highest among the groups gnomAD compares: Non-Finnish European, 0.0011%; no homozygotes.

Submissions (2):

Ambry Genetics
Classification: Uncertain significance for Inborn genetic diseases. Last evaluated: 2025-11-13. Review status: criteria provided, single submitter. Criteria: Ambry Variant Classification Scheme 2023. Collection method: clinical testing. Allele origin: germline.

Labcorp Genetics (formerly Invitae), Labcorp
Classification: Uncertain significance for Hereditary spastic paraplegia 28. Last evaluated: 2024-01-24. Review status: criteria provided, single submitter. Criteria: Invitae Variant Classification Sherloc (09022015). Collection method: clinical testing. Allele origin: germline.
Comment: This sequence change replaces glutamic acid, which is acidic and polar, with glycine, which is neutral and non-polar, at codon 255 of the DDHD1 protein (p.Glu255Gly). This variant is present in population databases (no rsID available, gnomAD 0.0009%). This variant has not been reported in the literature in individuals affected with DDHD1-related conditions. ClinVar contains an entry for this variant (Variation ID: 1057743). Advanced modeling of protein sequence and biophysical properties (such as structural, functional, and spatial information, amino acid conservation, physicochemical variation, residue mobility, and thermodynamic stability) performed at Invitae indicates that this missense variant is not expected to disrupt DDHD1 protein function with a negative predictive value of 80%. In summary, the available evidence is currently insufficient to determine the role of this variant in disease. Therefore, it has been classified as a Variant of Uncertain Significance.

NM_001160148.2(DDHD1):c.764A>G (p.Glu255Gly)

Genes: DDHD1 (DDHD domain containing 1; minus strand), LOC130055658 (ATAC-STARR-seq lymphoblastoid active region 8401; plus strand). Cytogenetic location: 14q22.1.
Variant type: single nucleotide variant.
Coding change: c.764A>G on transcript NM_001160148.2 (MANE Select); coding-DNA position 764, A replaced by G.
Protein change: p.Glu255Gly; replaces glutamic acid 255 with glycine.
Molecular consequence: missense variant.
Genome position (GRCh38, 1-based): chr14:53,152,335, T>C on the plus strand (A>G on the coding strand, the complement: DDHD1 is on the minus strand). VCF-style: chr14-53152335-T-C. GRCh37 (hg19) VCF-style: chr14-53619053-T-C.
Other names: c.764A>G, p.Glu255Gly (NM_001160147.2, NM_030637.3); c.764A>G (NM_001160148.1); short protein forms E255G.
Identifiers: ClinVar variation 1057743 (VCV001057743.11), dbSNP rs1173445982, ClinGen allele CA389779384.